The following is an entry in ClinVar:

NM_001379200.1(TBX1):c.1422CGC[6] (p.Ala485_Asn486insAlaAla)

Gene: TBX1 (T-box transcription factor 1; plus strand). Cytogenetic location: 22q11.21.
Variant type: Microsatellite.
Coding change: c.1422CGC[6] on transcript NM_001379200.1 (MANE Select); six copies in a row of the 3-base unit CGC starting at c.1422; the reference has four copies in a row; two copies, 6 bases duplicated.
Protein change: p.Ala485_Asn486insAlaAla.
Molecular consequence: inframe insertion. On other transcripts: intron variant (2).
Genome position (GRCh38, 1-based): chr22:19,766,780-19,766,785, CGCCGC duplicated; duplicating any 6 consecutive bases within chr22:19,766,772-19,766,785 gives the same sequence; the position shown is the placement nearest the transcript's 3' end. VCF-style (leftmost placement, unchanged base first): chr22-19766771-G-GGCCGCC. GRCh37 (hg19) VCF-style: chr22-19754294-G-GGCCGCC.
Other names: c.1395CGC[6], p.Ala476_Asn477insAlaAla (NM_080647.1); c.1009+770GCC[6] (NM_005992.1, NM_080646.2).
Identifiers: ClinVar variation 2891403 (VCV002891403.3), dbSNP rs756680878, ClinGen allele CA2577647166.

ClinVar aggregate classification (germline): Uncertain significance (1 of 4 stars; one submission).

Conditions:
DiGeorge syndrome. Also called: Catch22; THIRD AND FOURTH PHARYNGEAL POUCH SYNDROME. Identifiers: Orphanet 567, MedGen C0012236, MONDO:0008564, OMIM 188400.

Submission:

Labcorp Genetics (formerly Invitae), Labcorp
Classification: Uncertain significance for DiGeorge syndrome. Last evaluated: 2023-08-11. Review status: criteria provided, single submitter. Criteria: Invitae Variant Classification Sherloc (09022015). Collection method: clinical testing. Allele origin: germline.
Comment: This variant, c.1401_1406dup, results in the insertion of 2 amino acid(s) of the TBX1 protein (p.Ala475_Ala476dup), but otherwise preserves the integrity of the reading frame. This variant is not present in population databases (gnomAD no frequency). This variant has not been reported in the literature in individuals affected with TBX1-related conditions. In summary, the available evidence is currently insufficient to determine the role of this variant in disease. Therefore, it has been classified as a Variant of Uncertain Significance.